The following is an entry in ClinVar:

NM_001372.4(DNAH9):c.8929G>T (p.Ala2977Ser)

Gene: DNAH9 (dynein axonemal heavy chain 9; plus strand). Cytogenetic location: 17p12.
Variant type: single nucleotide variant.
Coding change: c.8929G>T on transcript NM_001372.4 (MANE Select); coding-DNA position 8929, G replaced by T.
Protein change: p.Ala2977Ser; replaces alanine 2977 with serine.
Molecular consequence: missense variant.
Genome position (GRCh38, 1-based): chr17:11,822,516, G>T. VCF-style: chr17-11822516-G-T. GRCh37 (hg19) VCF-style: chr17-11725833-G-T.
Other names: c.8929G>T (NM_001372.3); short protein forms A2977S.
Identifiers: ClinVar variation 2177091 (VCV002177091.7), dbSNP rs370252772, ClinGen allele CA8397089.

ClinVar aggregate classification (germline): Uncertain significance. Review status: criteria provided, multiple submitters, no conflicts (2 of 4 stars). 4 submissions from 4 submitters: Uncertain significance (4). Last evaluated 2025-11-05.

Conditions:
Inborn genetic diseases. Identifiers: MedGen C0950123, MeSH D030342.

Allele frequency attached by ClinVar (database versions not stated): ExAC 0.00002; gnomAD 0.00005; TOPMed 0.00006; ESP Exome Variant Server 0.00015.
gnomAD v4.1: 132 of 1,614,084 alleles (0.0082%); highest among the groups gnomAD compares: Non-Finnish European, 0.011%; no homozygotes.

Submissions (4):

GeneDx
Classification: Uncertain significance. Last evaluated: 2025-11-05. Review status: criteria provided, single submitter. Criteria: GeneDx Variant Classification Process June 2021. Collection method: clinical testing. Allele origin: germline.
Comment: In silico analysis suggests that this missense variant does not alter protein structure/function; Has not been previously published as pathogenic or benign to our knowledge

Labcorp Genetics (formerly Invitae), Labcorp
Classification: Uncertain significance. Last evaluated: 2024-04-25. Review status: criteria provided, single submitter. Criteria: Invitae Variant Classification Sherloc (09022015). Collection method: clinical testing. Allele origin: germline.
Comment: This sequence change replaces alanine, which is neutral and non-polar, with serine, which is neutral and polar, at codon 2977 of the DNAH9 protein (p.Ala2977Ser). This variant is present in population databases (rs370252772, gnomAD 0.01%). This variant has not been reported in the literature in individuals affected with DNAH9-related conditions. ClinVar contains an entry for this variant (Variation ID: 2177091). Advanced modeling of protein sequence and biophysical properties (such as structural, functional, and spatial information, amino acid conservation, physicochemical variation, residue mobility, and thermodynamic stability) performed at Invitae indicates that this missense variant is not expected to disrupt DNAH9 protein function with a negative predictive value of 80%. In summary, the available evidence is currently insufficient to determine the role of this variant in disease. Therefore, it has been classified as a Variant of Uncertain Significance.

Ambry Genetics
Classification: Uncertain significance for Inborn genetic diseases. Last evaluated: 2023-08-02. Review status: criteria provided, single submitter. Criteria: Ambry Variant Classification Scheme 2023. Collection method: clinical testing. Allele origin: germline.

Blueprint Genetics
Classification: Uncertain significance. Last evaluated: 2022-07-17. Review status: criteria provided, single submitter. Criteria: ACMG Guidelines, 2015. Collection method: clinical testing. Allele origin: germline.